The following is an entry in ClinVar:

ClinVar aggregate classification (germline): Uncertain significance (1 of 4 stars; one submission).

Conditions:
APPL1-related disorder. Also called: APPL1-related condition.

Submission:

PreventionGenetics, part of Exact Sciences
Classification: Uncertain significance for APPL1-related condition. Last evaluated: 2026-07-26. Review status: criteria provided, single submitter. Criteria: ACMG Guidelines, 2015. Collection method: clinical testing. Allele origin: germline.
Comment: The APPL1 c.167C>A variant is predicted to result in the amino acid substitution p.Ala56Glu. To our knowledge, this variant has not been reported in the literature or in a large population database (gnomAD), indicating this variant is rare. At this time, the clinical significance of this variant is uncertain due to the absence of conclusive functional and genetic evidence.

NM_012096.3(APPL1):c.167C>A (p.Ala56Glu)

Gene: APPL1 (adaptor protein, phosphotyrosine interacting with PH domain and leucine zipper 1; plus strand). Cytogenetic location: 3p14.3.
Variant type: single nucleotide variant.
Coding change: c.167C>A on transcript NM_012096.3 (MANE Select); coding-DNA position 167, C replaced by A.
Protein change: p.Ala56Glu; replaces alanine 56 with glutamic acid.
Molecular consequence: missense variant.
Genome position (GRCh38, 1-based): chr3:57,237,505, C>A. VCF-style: chr3-57237505-C-A. GRCh37 (hg19) VCF-style: chr3-57271533-C-A.
Other names: short protein forms A56E.
Identifiers: ClinVar variation 4990687 (VCV004990687.1).